The following is an entry in ClinVar:

NC_000017.10:g.(?_41236869)_(41246163_?)del

Gene: BRCA1 (BRCA1 DNA repair associated; minus strand). Cytogenetic location: 17q21.31.
Variant type: Deletion.
Identifiers: ClinVar variation 1453787 (VCV001453787.9).

ClinVar aggregate classification (germline): Pathogenic (1 of 4 stars; one submission).

Conditions:
Hereditary breast ovarian cancer syndrome. Also called: Hereditary breast and ovarian cancer; Hereditary breast and ovarian cancer syndrome (HBOC); Breast and ovarian cancer; Hereditary breast and ovarian cancer syndrome; Hereditary breast and/or ovarian cancer syndrome; BRCA1- and BRCA2-Associated Hereditary Breast and Ovarian Cancer. Identifiers: Orphanet 145, MedGen C0677776, MeSH D061325, MONDO:0003582. Disease mechanism: loss of function.

Submission:

Labcorp Genetics (formerly Invitae), Labcorp
Classification: Pathogenic for Hereditary breast ovarian cancer syndrome. Last evaluated: 2018-11-07. Review status: criteria provided, single submitter. Criteria: Invitae Variant Classification Sherloc (09022015). Collection method: clinical testing. Allele origin: germline.
Comment: For these reasons, this variant has been classified as Pathogenic. Loss-of-function variants in BRCA1 are known to be pathogenic (PMID: 20104584). Similar deletions involving exons 10-11, which in the literature are also known as exons 11-12, have been observed in individuals with breast cancer (PMID: 18703817, Invitae). This variant is a gross deletion of the genomic region encompassing part of exon 10 and all of exon 11, including the exon 11-intron 11 boundary of the BRCA1 gene (c.1385_4186-2277del). This likely creates a premature translational stop signal and is expected to result in an absent or disrupted protein product.

Literature cited by the submitters: PubMed 20104584; PubMed 18703817.